The following is an entry in ClinVar:

NM_001942.4(DSG1):c.1592A>G (p.Glu531Gly)

Gene: DSG1 (desmoglein 1; plus strand). Cytogenetic location: 18q12.1.
Variant type: single nucleotide variant.
Coding change: c.1592A>G on transcript NM_001942.4 (MANE Select); coding-DNA position 1592, A replaced by G.
Protein change: p.Glu531Gly; replaces glutamic acid 531 with glycine.
Molecular consequence: missense variant.
Genome position (GRCh38, 1-based): chr18:31,339,930, A>G. VCF-style: chr18-31339930-A-G. GRCh37 (hg19) VCF-style: chr18-28919893-A-G.
Other names: short protein forms E531G.
Identifiers: ClinVar variation 3001964 (VCV003001964.3), dbSNP rs752740323, ClinGen allele CA8926115.
Genomic context (GRCh38, chr18:31,339,930, plus strand): 5'-CTTCCACTAACTATGATACCAGCACAACTTCTACTGACTCTAGCCAAGTATATTCTTCTG[A>G]ACCCGGAAACGGAGCCAAAGATTTGTTATCAGACAATGTACATTTTGGTCCTGCTGGCAT-3'
Protein context (NP_001933.2, residues 521-541): STDSSQVYSS[Glu531Gly]PGNGAKDLLS

ClinVar aggregate classification (germline): Uncertain significance (1 of 4 stars; one submission).

Allele frequency attached by ClinVar (database versions not stated): gnomAD exomes below 0.00001; ExAC 0.00002.
gnomAD v4.1: 8 of 1,614,070 alleles (0.0005%); highest among the groups gnomAD compares: South Asian, 0.0077%; no homozygotes.

Submission:

Labcorp Genetics (formerly Invitae), Labcorp
Classification: Uncertain significance. Last evaluated: 2023-06-15. Review status: criteria provided, single submitter. Criteria: Invitae Variant Classification Sherloc (09022015). Collection method: clinical testing. Allele origin: germline.
Comment: In summary, the available evidence is currently insufficient to determine the role of this variant in disease. Therefore, it has been classified as a Variant of Uncertain Significance. Advanced modeling of protein sequence and biophysical properties (such as structural, functional, and spatial information, amino acid conservation, physicochemical variation, residue mobility, and thermodynamic stability) performed at Invitae indicates that this missense variant is not expected to disrupt DSG1 protein function. This variant has not been reported in the literature in individuals affected with DSG1-related conditions. This variant is present in population databases (rs752740323, gnomAD 0.01%). This sequence change replaces glutamic acid, which is acidic and polar, with glycine, which is neutral and non-polar, at codon 531 of the DSG1 protein (p.Glu531Gly).